The following is an entry in ClinVar:

ClinVar aggregate classification (germline): Likely pathogenic (1 of 4 stars; one submission).

Conditions:
Hereditary cancer-predisposing syndrome. Also called: Neoplastic Syndromes, Hereditary; Tumor predisposition; Hereditary neoplastic syndrome; Hereditary Cancer Syndrome. Identifiers: Orphanet 140162, MedGen C0027672, MeSH D009386, MONDO:0015356.

Submission:

Ambry Genetics
Classification: Likely pathogenic for Hereditary cancer-predisposing syndrome. Last evaluated: 2023-11-16. Review status: criteria provided, single submitter. Criteria: Ambry Variant Classification Scheme 2023. Collection method: clinical testing. Allele origin: germline.
Comment: The c.1506-1G>T intronic variant results from a G to T substitution one nucleotide upstream from coding exon 12 of the POT1 gene. This variant is considered to be rare based on population cohorts in the Genome Aggregation Database (gnomAD). This nucleotide position is highly conserved in available vertebrate species. In silico splice site analysis predicts that this alteration will weaken the native splice acceptor site; however, direct evidence is insufficient at this time (Ambry internal data). Alterations that disrupt the canonical splice site are expected to cause aberrant splicing, resulting in an abnormal protein or a transcript that is subject to nonsense-mediated mRNA decay. As such, this alteration is classified as likely pathogenic.

NM_015450.3(POT1):c.1506-1G>T

Gene: POT1 (protection of telomeres 1; minus strand). Cytogenetic location: 7q31.33.
Variant type: single nucleotide variant.
Coding change: c.1506-1G>T on transcript NM_015450.3 (MANE Select); the canonical splice acceptor site of the intron before coding-DNA position 1506, G replaced by T.
Molecular consequence: splice acceptor variant.
Genome position (GRCh38, 1-based): chr7:124,829,343, C>A on the plus strand (G>T on the coding strand, the complement: POT1 is on the minus strand). VCF-style: chr7-124829343-C-A. GRCh37 (hg19) VCF-style: chr7-124469397-C-A.
Other names: c.1113-1G>T (NM_001042594.2).
Identifiers: ClinVar variation 3226659 (VCV003226659.1), dbSNP rs1418539002, ClinGen allele CA369064720.